The following is an entry in ClinVar:

NM_144997.7(FLCN):c.1257G>A (p.Gly419=)

Gene: FLCN (folliculin; minus strand). Cytogenetic location: 17p11.2.
Variant type: single nucleotide variant.
Coding change: c.1257G>A on transcript NM_144997.7 (MANE Select); coding-DNA position 1257, G replaced by A.
Protein change: p.Gly419=; no amino-acid change (glycine 419 retained).
Molecular consequence: synonymous variant.
Genome position (GRCh38, 1-based): chr17:17,216,423, C>T on the plus strand (G>A on the coding strand, the complement: FLCN is on the minus strand). VCF-style: chr17-17216423-C-T. GRCh37 (hg19) VCF-style: chr17-17119737-C-T.
Other names: c.1311G>A, p.Gly437= (NM_001353229.2); c.1257G>A, p.Gly419= (NM_001353230.2, NM_001353231.2).
Identifiers: ClinVar variation 1096621 (VCV001096621.10), dbSNP rs747171802, ClinGen allele CA8416086.

ClinVar aggregate classification (germline): Benign/Likely benign. Review status: criteria provided, multiple submitters, no conflicts (2 of 4 stars). 3 submissions from 3 submitters: Benign (1); Likely benign (2). Last evaluated 2024-10-24.

Conditions:
Hereditary cancer-predisposing syndrome. Also called: Tumor predisposition; Neoplastic Syndromes, Hereditary; Hereditary Cancer Syndrome; Hereditary neoplastic syndrome. Identifiers: Orphanet 140162, MedGen C0027672, MeSH D009386, MONDO:0015356.
Birt-Hogg-Dube syndrome 1 (BHD1). Also called: FIBROFOLLICULOMAS WITH TRICHODISCOMAS AND ACROCHORDONS. Identifiers: Orphanet 122, MedGen CN375946, MONDO:0800445, OMIM 135150.
Birt-Hogg-Dube syndrome. Also called: Birt Hogg Dubé syndrome. Identifiers: Orphanet 122, MedGen C0346010, MONDO:0800444.

Allele frequency attached by ClinVar (database versions not stated): TOPMed below 0.00001; ExAC 0.00001; gnomAD 0.00002.
gnomAD v4.1: 14 of 1,613,642 alleles (0.00087%); highest among the groups gnomAD compares: Non-Finnish European, 0.0012%; no homozygotes.

Submissions (3):

Myriad Genetics, Inc.
Classification: Benign for Birt-Hogg-Dube syndrome 1. Last evaluated: 2024-10-24. Review status: criteria provided, single submitter. Criteria: Myriad Autosomal Dominant, Autosomal Recessive and X-Linked Classification Criteria (2023). Collection method: clinical testing. Allele origin: unknown.
Comment: This variant is considered benign. This variant is a silent/synonymous amino acid change and it is not expected to impact splicing.

Labcorp Genetics (formerly Invitae), Labcorp
Classification: Likely benign for Birt-Hogg-Dube syndrome. Last evaluated: 2023-10-08. Review status: criteria provided, single submitter. Criteria: Invitae Variant Classification Sherloc (09022015). Collection method: clinical testing. Allele origin: germline.

Ambry Genetics
Classification: Likely benign for Hereditary cancer-predisposing syndrome. Last evaluated: 2022-09-19. Review status: criteria provided, single submitter. Criteria: Ambry Variant Classification Scheme 2023. Collection method: clinical testing. Allele origin: germline.